The following is an entry in ClinVar:

NM_080425.4(GNAS):c.1427C>T (p.Ala476Val)

Gene: GNAS (GNAS complex locus; plus strand). Cytogenetic location: 20q13.32.
Variant type: single nucleotide variant.
Coding change: c.1427C>T on transcript NM_080425.4 (MANE Plus Clinical); coding-DNA position 1427, C replaced by T.
Protein change: p.Ala476Val; replaces alanine 476 with valine.
Molecular consequence: missense variant. On other transcripts: intron variant (3), genic upstream transcript variant (1).
Genome position (GRCh38, 1-based): chr20:58,854,692, C>T. VCF-style: chr20-58854692-C-T. GRCh37 (hg19) VCF-style: chr20-57429747-C-T.
Other names: c.1240C>T, p.Pro414Ser (NM_001077490.3, NM_001309883.1); c.1427C>T, p.Ala476Val (NM_001410913.1); c.*42+13806C>T (NM_016592.5); c.43+13806C>T (NM_001410912.1); c.-39+12817C>T (NM_001309861.2); c.-37035C>T (NM_000516.7); short protein forms P414S, A476V.
Identifiers: ClinVar variation 134481 (VCV000134481.19), dbSNP rs587778383, ClinGen allele CA159938.
Genomic context (GRCh38, chr20:58,854,692, plus strand): 5'-GGGCGGCCCCTGACGCCCCAGCCGATCCAGATGCCGGGGCGGCCCCTGAGGCTCCCGCCG[C>T]CCCTGCGGCTGCTGAGACCCGGGCAGCCCATGTCGCCCCAGCTGCGCCAGACGCAGGGGC-3'
Protein context (NP_536350.2, residues 466-486): DAGAAPEAPA[Ala476Val]PAAAETRAAH

ClinVar aggregate classification (germline): Conflicting classifications of pathogenicity. Review status: criteria provided, conflicting classifications (1 of 4 stars). 4 submissions from 4 submitters: Uncertain significance (1); Likely benign (1). 2 of the submissions do not count toward it. Last evaluated 2025-12-02.

Conditions:
GNAS-related disorder. Identifiers: MedGen CN380105.

Allele frequency attached by ClinVar (database versions not stated): ExAC below 0.00001; gnomAD exomes 0.00002; gnomAD 0.00017 and 0.00020; TOPMed 0.00020.
gnomAD v4.1: 52 of 1,528,628 alleles (0.0034%); highest among the groups gnomAD compares: African/African-American, 0.072%; no homozygotes.

Submissions (4):

Women's Health and Genetics/Laboratory Corporation of America, LabCorp
Classification: Uncertain significance. Last evaluated: 2025-12-02. Review status: criteria provided, single submitter. Criteria: LabCorp Variant Classification Summary - May 2015. Collection method: clinical testing. Allele origin: germline.
Comment: Variant summary: GNAS NM_080425.4 c.1427C>T (p.Ala476Val) results in a non-conservative amino acid change in the encoded protein sequence. Algorithms developed to predict the effect of missense changes on protein structure and function are either unavailable or do not agree on the potential impact of this missense change. This variant is also annotated as GNAS NM_000516.7 c.-37035C>T is located in the untranscribed region upstream of the GNAS gene region. The variant allele was found at a frequency of 3.2e-05 in 123628 control chromosomes. The available data on variant occurrences in the general population are insufficient to allow any conclusion about variant significance. To our knowledge, no occurrence of c.-37035C>T in individuals affected with GNAS-related conditions and no experimental evidence demonstrating its impact on protein function have been reported. ClinVar contains an entry for this variant (Variation ID: 134481). Based on the evidence outlined above, the variant was classified as uncertain significance.

CeGaT Center for Human Genetics Tuebingen
Classification: Likely benign. Last evaluated: 2024-12-01. Review status: criteria provided, single submitter. Criteria: CeGaT Center For Human Genetics Tuebingen Variant Classification Criteria Version 2. Collection method: clinical testing. Allele origin: germline. Affected: yes. Observed: 1 variant allele.
Comment: GNAS: BS1

PreventionGenetics, part of Exact Sciences
Classification: Likely benign for GNAS-related condition. Last evaluated: 2022-06-17. Review status: no assertion criteria provided. Collection method: clinical testing. Allele origin: germline. Not counted in ClinVar's aggregate classification.
Comment: This variant is classified as likely benign based on ACMG/AMP sequence variant interpretation guidelines (Richards et al. 2015 PMID: 25741868, with internal and published modifications).

ITMI
No classification provided. Condition: AllHighlyPenetrant. Last evaluated: 2013-09-19. Review status: no classification provided. Collection method: reference population. Allele origin: germline. Not counted in ClinVar's aggregate classification.
Comment: Please see associated publication for description of ethnicities

Literature cited by the submitters: PubMed 24728327 (cited by ITMI).